The following is an entry in ClinVar:

NM_015021.3(ZNF292):c.6951G>A (p.Gly2317=)

Gene: ZNF292 (zinc finger protein 292; plus strand). Cytogenetic location: 6q14.3.
Variant type: single nucleotide variant.
Coding change: c.6951G>A on transcript NM_015021.3 (MANE Select); coding-DNA position 6951, G replaced by A.
Protein change: p.Gly2317=; no amino-acid change (glycine 2317 retained).
Molecular consequence: synonymous variant.
Genome position (GRCh38, 1-based): chr6:87,260,580, G>A. VCF-style: chr6-87260580-G-A. GRCh37 (hg19) VCF-style: chr6-87970298-G-A.
Other names: c.6531G>A, p.Gly2177= (NM_001351444.2).
Identifiers: ClinVar variation 780987 (VCV000780987.34), dbSNP rs187534807, ClinGen allele CA3914707.

ClinVar aggregate classification (germline): Benign/Likely benign. Review status: criteria provided, multiple submitters, no conflicts (2 of 4 stars). 2 submissions from 2 submitters: Benign (1); Likely benign (1). Last evaluated 2026-07-01.

Allele frequency attached by ClinVar (database versions not stated): 1000 Genomes Project 0.00080; 1000 Genomes Project 30x 0.00094; gnomAD 0.00306 and 0.00316; TOPMed 0.00314; ExAC 0.00316; gnomAD exomes 0.00348 and 0.00378; ESP Exome Variant Server 0.00419.
gnomAD v4.1: 6,051 of 1,613,040 alleles (0.38%); highest among the groups gnomAD compares: Non-Finnish European, 0.37%; 34 homozygotes.

Submissions (2):

CeGaT Center for Human Genetics Tuebingen
Classification: Likely benign. Last evaluated: 2026-07-01. Review status: criteria provided, single submitter. Criteria: CeGaT Center For Human Genetics Tuebingen Variant Classification Criteria Version 2. Collection method: clinical testing. Allele origin: germline. Affected: yes. Observed: 12 variant alleles.
Comment: ZNF292: BP4, BP7, BS1

Labcorp Genetics (formerly Invitae), Labcorp
Classification: Benign. Last evaluated: 2019-12-31. Review status: criteria provided, single submitter. Criteria: Invitae Variant Classification Sherloc (09022015). Collection method: clinical testing. Allele origin: germline.